The following is an entry in ClinVar:

ClinVar aggregate classification (germline): Pathogenic. Review status: criteria provided, multiple submitters, no conflicts (2 of 4 stars). 2 submissions from 2 submitters: Pathogenic (2). Last evaluated 2023-07-10.

Conditions:
Hereditary cancer-predisposing syndrome. Also called: Tumor predisposition; Hereditary neoplastic syndrome; Neoplastic Syndromes, Hereditary; Hereditary Cancer Syndrome. Identifiers: Orphanet 140162, MedGen C0027672, MeSH D009386, MONDO:0015356.
Oligodontia-cancer predisposition syndrome. Also called: TOOTH AGENESIS-COLORECTAL CANCER SYNDROME. Identifiers: Orphanet 300576, MedGen C1837750, MONDO:0012075, OMIM 608615. Disease mechanism: loss of function.

Submissions (2):

Ambry Genetics
Classification: Pathogenic for Hereditary cancer-predisposing syndrome. Last evaluated: 2023-07-10. Review status: criteria provided, single submitter. Criteria: Ambry Variant Classification Scheme 2023. Collection method: clinical testing. Allele origin: germline.
Comment: The c.1274dupT pathogenic mutation, located in coding exon 5 of the AXIN2 gene, results from a duplication of T at nucleotide position 1274, causing a translational frameshift with a predicted alternate stop codon (p.L426Tfs*36). This variant is considered to be rare based on population cohorts in the Genome Aggregation Database (gnomAD). This alteration is expected to result in loss of function by premature protein truncation or nonsense-mediated mRNA decay. As such, this alteration is interpreted as a disease-causing mutation.

Myriad Genetics, Inc.
Classification: Pathogenic for Oligodontia-cancer predisposition syndrome. Last evaluated: 2023-05-17. Review status: criteria provided, single submitter. Criteria: Myriad Autosomal Dominant, Autosomal Recessive and X-Linked Classification Criteria (2023). Collection method: clinical testing. Allele origin: unknown.
Comment: This variant is considered pathogenic. This variant creates a frameshift predicted to result in premature protein truncation.

NM_004655.4(AXIN2):c.1274dup (p.Leu426fs)

Gene: AXIN2 (axin 2; minus strand). Cytogenetic location: 17q24.1.
Variant type: Duplication.
Coding change: c.1274dup on transcript NM_004655.4 (MANE Select); coding-DNA position 1274, one base duplicated (T; older notation c.1274dupT).
Protein change: p.Leu426fs; shifts the reading frame from leucine 426.
Molecular consequence: frameshift variant.
Genome position (GRCh38, 1-based): chr17:65,537,762, A duplicated on the plus strand (T on the coding strand, the reverse complement: AXIN2 is on the minus strand). VCF-style (leftmost placement, unchanged base first): chr17-65537761-T-TA. GRCh37 (hg19) VCF-style: chr17-63533879-T-TA.
Other names: c.1274dupT (NM_004655.3); c.1274dup, p.Leu426fs (NM_001363813.1); short protein forms L426fs.
Identifiers: ClinVar variation 2583601 (VCV002583601.3), dbSNP rs2509417609, ClinGen allele CA2582342310.